The following is an entry in ClinVar:

NM_003324.5(TULP3):c.1024-5G>T

Gene: TULP3 (TUB like protein 3; plus strand). Cytogenetic location: 12p13.33.
Variant type: single nucleotide variant.
Coding change: c.1024-5G>T on transcript NM_003324.5 (MANE Select); 5 bases into the intron before coding-DNA position 1024, G replaced by T.
Molecular consequence: intron variant.
Genome position (GRCh38, 1-based): chr12:2,938,109, G>T. VCF-style: chr12-2938109-G-T. GRCh37 (hg19) VCF-style: chr12-3047275-G-T.
Other names: c.1024-5G>T (NM_001160408.2).
Identifiers: ClinVar variation 4978027 (VCV004978027.1).

ClinVar aggregate classification (germline): Likely benign (1 of 4 stars; one submission).

Conditions:
TULP3-related condition.

gnomAD v4.1: 46 of 1,613,984 alleles (0.0029%); highest among the groups gnomAD compares: African/African-American, 0.057%; no homozygotes.

Submission:

PreventionGenetics, part of Exact Sciences
Classification: Likely benign for TULP3-related condition. Last evaluated: 2025-12-01. Review status: criteria provided, single submitter. Criteria: ACMG Guidelines, 2015. Collection method: clinical testing. Allele origin: germline.
Comment: This variant is classified as likely benign based on ACMG/AMP sequence variant interpretation guidelines (Richards et al. 2015 PMID: 25741868, with internal and published modifications).